The following is an entry in ClinVar:

ClinVar aggregate classification (germline): Pathogenic (1 of 4 stars; one submission).

Submission:

Labcorp Genetics (formerly Invitae), Labcorp
Classification: Pathogenic. Last evaluated: 2021-04-02. Review status: criteria provided, single submitter. Criteria: Invitae Variant Classification Sherloc (09022015). Collection method: clinical testing. Allele origin: germline.
Comment: For these reasons, this variant has been classified as Pathogenic. This variant has not been reported in the literature in individuals with CPLANE1-related conditions. This variant is not present in population databases (ExAC no frequency). This sequence change creates a premature translational stop signal (p.Arg400Ilefs*16) in the CPLANE1 gene. It is expected to result in an absent or disrupted protein product. Loss-of-function variants in CPLANE1 are known to be pathogenic (PMID: 24178751, 26092869).

Literature cited by the submitters: PubMed 24178751; PubMed 26092869.

NM_001384732.1(CPLANE1):c.1199_1200del (p.Arg400fs)

Gene: CPLANE1 (ciliogenesis and planar polarity effector complex subunit 1; minus strand). Cytogenetic location: 5p13.2.
Variant type: Microsatellite.
Coding change: c.1199_1200del on transcript NM_001384732.1 (MANE Select); coding-DNA positions 1199 to 1200, 2 bases deleted (GA; older notation c.1199_1200delGA).
Protein change: p.Arg400fs; shifts the reading frame from arginine 400.
Molecular consequence: frameshift variant.
Genome position (GRCh38, 1-based): chr5:37,227,739-37,227,740, TC deleted on the plus strand (GA on the coding strand, the reverse complement: CPLANE1 is on the minus strand); deleting any 2 consecutive bases within chr5:37,227,739-37,227,743 gives the same sequence; the c. name uses the placement nearest the transcript's 3' end. VCF-style (leftmost placement, unchanged base first): chr5-37227738-ATC-A. GRCh37 (hg19) VCF-style: chr5-37227840-ATC-A.
Other names: c.1199_1200del, p.Arg400fs (NM_023073.4); short protein forms R400fs.
Identifiers: ClinVar variation 1445057 (VCV001445057.5), dbSNP rs1432383285, ClinGen allele CA559295653.